The following is an entry in ClinVar:

NM_001368067.1(LDB3):c.415G>A (p.Glu139Lys)

Genes: LDB3 (LIM domain binding 3; plus strand), LOC110121486 (VISTA enhancer hs2143; plus strand). Cytogenetic location: 10q23.2.
Variant type: single nucleotide variant.
Coding change: c.415G>A on transcript NM_001368067.1 (MANE Plus Clinical); coding-DNA position 415, G replaced by A.
Protein change: p.Glu139Lys; replaces glutamic acid 139 with lysine.
Molecular consequence: missense variant. On other transcripts: intron variant (5).
Genome position (GRCh38, 1-based): chr10:86,687,139, G>A. VCF-style: chr10-86687139-G-A. GRCh37 (hg19) VCF-style: chr10-88446896-G-A.
Other names: c.415G>A, p.Glu139Lys (NM_001080116.1, NM_001080114.2, NM_001368066.1 and 1 more transcripts); c.760G>A, p.Glu254Lys (NM_001171610.2, NM_001171611.2); c.690-4757G>A (NM_001368064.1, NM_001368063.1, NM_007078.3 and 2 more transcripts); short protein forms E139K, E254K.
Identifiers: ClinVar variation 179926 (VCV000179926.22), dbSNP rs374613600, ClinGen allele CA185444.

ClinVar aggregate classification (germline): Conflicting classifications of pathogenicity. Review status: criteria provided, conflicting classifications (1 of 4 stars). 6 submissions from 6 submitters: Uncertain significance (4); Likely benign (2). Last evaluated 2025-12-09.

Conditions:
Cardiovascular phenotype. Identifiers: MedGen CN230736.
Myofibrillar myopathy 4. Also called: Zaspopathy (type). Identifiers: Orphanet 98912, MedGen C4721886, MONDO:0012277, OMIM 609452.

Allele frequency attached by ClinVar (database versions not stated): gnomAD exomes 0.00004 and 0.00014; gnomAD 0.00006 and 0.00007; ExAC 0.00012; 1000 Genomes Project 30x 0.00016; TOPMed 0.00018; 1000 Genomes Project 0.00020.
gnomAD v4.1: 80 of 1,614,176 alleles (0.005%); highest among the groups gnomAD compares: East Asian, 0.067%; no homozygotes.

Submissions (6):

Labcorp Genetics (formerly Invitae), Labcorp
Classification: Likely benign for Myofibrillar myopathy 4. Last evaluated: 2025-12-09. Review status: criteria provided, single submitter. Criteria: Invitae Variant Classification Sherloc (09022015). Collection method: clinical testing. Allele origin: germline.

GeneDx
Classification: Likely benign. Last evaluated: 2021-04-06. Review status: criteria provided, single submitter. Criteria: GeneDx Variant Classification Process June 2021. Collection method: clinical testing. Allele origin: germline. Affected: yes.
Comment: See Variant Classification Assertion Criteria.

Revvity Omics, Revvity
Classification: Uncertain significance. Last evaluated: 2019-09-03. Review status: criteria provided, single submitter. Criteria: ACMG Guidelines, 2015. Collection method: clinical testing. Allele origin: germline.

Ambry Genetics
Classification: Uncertain significance for Cardiovascular phenotype. Last evaluated: 2017-07-06. Review status: criteria provided, single submitter. Criteria: Ambry Variant Classification Scheme 2023. Collection method: clinical testing. Allele origin: germline.
Comment: The p.E139K variant (also known as c.415G>A), located in coding exon 5 of the LDB3 gene, results from a G to A substitution at nucleotide position 415. The glutamic acid at codon 139 is replaced by lysine, an amino acid with similar properties. This alteration has been reported as a secondary cardiac variant in an exome cohort (Ng D et al. Circ Cardiovasc Genet. 2013;6:337-46). This amino acid position is highly conserved in available vertebrate species. In addition, the in silico prediction for this alteration is inconclusive. Since supporting evidence is limited at this time, the clinical significance of this alteration remains unclear.

Laboratory for Molecular Medicine, Mass General Brigham Personalized Medicine
Classification: Uncertain significance. Last evaluated: 2014-12-31. Review status: criteria provided, single submitter. Criteria: LMM Criteria. Collection method: clinical testing. Allele origin: germline. Observed: 2 variant alleles.
Comment: I t has also been identified in 14/25364 South and East Asian chromosomes by the E xome Aggregation Consortium (ExAC). Computationa l prediction tools and conservation analysis do not provide strong support for o r against an impact to the protein. In summary, the clinical significance of the p.Glu139Lys variant is uncertain.

Biesecker Lab/Clinical Genomics Section, National Institutes of Health
Classification: Uncertain significance. Last evaluated: 2013-06-24. Review status: criteria provided, single submitter. Criteria: Ng et al. (Circ Cardiovasc Genet. 2013). Collection method: research. Allele origin: unknown. Observed: 1 variant allele. Study: ClinSeq.
Comment: The study set was not selected for affection status in relation to any cancer. Pathogenicity categories were based on literature curation. See Pubmed ID:23861362 for details.

Medical sequencing

Literature cited by the submitters: PubMed 23861362 (cited by Ambry Genetics and Laboratory for Molecular Medicine, Mass General Brigham Personalized Medicine).